The following is an entry in ClinVar:

NM_022047.4(DEF6):c.1046G>T (p.Arg349Leu)

Gene: DEF6 (DEF6 guanine nucleotide exchange factor; plus strand). Cytogenetic location: 6p21.31.
Variant type: single nucleotide variant.
Coding change: c.1046G>T on transcript NM_022047.4 (MANE Select); coding-DNA position 1046, G replaced by T.
Protein change: p.Arg349Leu; replaces arginine 349 with leucine.
Molecular consequence: missense variant.
Genome position (GRCh38, 1-based): chr6:35,318,302, G>T. VCF-style: chr6-35318302-G-T. GRCh37 (hg19) VCF-style: chr6-35286079-G-T.
Other names: c.1046G>T (NM_022047.3); short protein forms R349L.
Identifiers: ClinVar variation 1415018 (VCV001415018.5), dbSNP rs992053969, ClinGen allele CA137282940.

ClinVar aggregate classification (germline): Uncertain significance. Review status: criteria provided, multiple submitters, no conflicts (2 of 4 stars). 2 submissions from 2 submitters: Uncertain significance (2). Last evaluated 2024-05-22.

Allele frequency attached by ClinVar (database versions not stated): gnomAD exomes 0.00003.
gnomAD v4.1: 8 of 1,553,450 alleles (0.00051%); highest among the groups gnomAD compares: Admixed American, 0.012%; no homozygotes.

Submissions (2):

Labcorp Genetics (formerly Invitae), Labcorp
Classification: Uncertain significance. Last evaluated: 2024-05-22. Review status: criteria provided, single submitter. Criteria: Invitae Variant Classification Sherloc (09022015). Collection method: clinical testing. Allele origin: germline.
Comment: This sequence change replaces arginine, which is basic and polar, with leucine, which is neutral and non-polar, at codon 349 of the DEF6 protein (p.Arg349Leu). This variant is present in population databases (no rsID available, gnomAD 0.02%). This variant has not been reported in the literature in individuals affected with DEF6-related conditions. ClinVar contains an entry for this variant (Variation ID: 1415018). An algorithm developed to predict the effect of missense changes on protein structure and function (PolyPhen-2) suggests that this variant¬†is likely to be tolerated. In summary, the available evidence is currently insufficient to determine the role of this variant in disease. Therefore, it has been classified as a Variant of Uncertain Significance.

Ambry Genetics
Classification: Uncertain significance. Last evaluated: 2024-01-31. Review status: criteria provided, single submitter. Criteria: Ambry Variant Classification Scheme 2023. Collection method: clinical testing. Allele origin: germline.